The following is an entry in ClinVar:

NM_033109.5(PNPT1):c.1012G>T (p.Glu338Ter)

Gene: PNPT1 (polyribonucleotide nucleotidyltransferase 1; minus strand). Cytogenetic location: 2p16.1.
Variant type: single nucleotide variant.
Coding change: c.1012G>T on transcript NM_033109.5 (MANE Select); coding-DNA position 1012, G replaced by T.
Protein change: p.Glu338Ter; replaces glutamic acid 338 with a stop codon.
Molecular consequence: nonsense.
Genome position (GRCh38, 1-based): chr2:55,667,923, C>A on the plus strand (G>T on the coding strand, the complement: PNPT1 is on the minus strand). VCF-style: chr2-55667923-C-A. GRCh37 (hg19) VCF-style: chr2-55895058-C-A.
Other names: short protein forms E338*.
Identifiers: ClinVar variation 2836084 (VCV002836084.3), dbSNP rs751309672, ClinGen allele CA346929375.

ClinVar aggregate classification (germline): Pathogenic (1 of 4 stars; one submission).

Submission:

Labcorp Genetics (formerly Invitae), Labcorp
Classification: Pathogenic. Last evaluated: 2023-12-04. Review status: criteria provided, single submitter. Criteria: Invitae Variant Classification Sherloc (09022015). Collection method: clinical testing. Allele origin: germline.
Comment: This sequence change creates a premature translational stop signal (p.Glu338*) in the PNPT1 gene. It is expected to result in an absent or disrupted protein product. Loss-of-function variants in PNPT1 are known to be pathogenic (PMID: 28594066, 30244537). This variant is not present in population databases (gnomAD no frequency). This variant has not been reported in the literature in individuals affected with PNPT1-related conditions. For these reasons, this variant has been classified as Pathogenic.

Literature cited by the submitters: PubMed 28594066; PubMed 30244537.